The following is an entry in ClinVar:

NM_001368882.1(COL13A1):c.236G>T (p.Arg79Leu)

Gene: COL13A1 (collagen type XIII alpha 1 chain; plus strand). Cytogenetic location: 10q22.1.
Variant type: single nucleotide variant.
Coding change: c.236G>T on transcript NM_001368882.1 (MANE Select); coding-DNA position 236, G replaced by T.
Protein change: p.Arg79Leu; replaces arginine 79 with leucine.
Molecular consequence: missense variant. On other transcripts: 5 prime UTR variant (1).
Genome position (GRCh38, 1-based): chr10:69,802,659, G>T. VCF-style: chr10-69802659-G-T. GRCh37 (hg19) VCF-style: chr10-71562415-G-T.
Other names: c.236G>T, p.Arg79Leu (NM_001130103.2, NM_001320951.2, NM_001368883.1 and 11 more transcripts); c.-418G>T (NM_001368886.1); short protein forms R79L.
Identifiers: ClinVar variation 784160 (VCV000784160.16), dbSNP rs200098419, ClinGen allele CA5534007.

ClinVar aggregate classification (germline): Conflicting classifications of pathogenicity. Review status: criteria provided, conflicting classifications (1 of 4 stars). 4 submissions from 4 submitters: Uncertain significance (2); Benign (1). 1 of the submissions does not count toward it. Last evaluated 2026-01-19.

Conditions:
COL13A1-related disorder. Also called: COL13A1-related condition.
Inborn genetic diseases. Identifiers: MedGen C0950123, MeSH D030342.

Allele frequency attached by ClinVar (database versions not stated): gnomAD exomes 0.00021 and 0.00061; ExAC 0.00090; gnomAD 0.00231 and 0.00247; TOPMed 0.00264; ESP Exome Variant Server 0.00294; 1000 Genomes Project 0.00479; 1000 Genomes Project 30x 0.00484.

Submissions (4):

Labcorp Genetics (formerly Invitae), Labcorp
Classification: Benign. Last evaluated: 2026-01-19. Review status: criteria provided, single submitter. Criteria: Invitae Variant Classification Sherloc (09022015). Collection method: clinical testing. Allele origin: germline.

Ambry Genetics
Classification: Uncertain significance for Inborn genetic diseases. Last evaluated: 2025-11-24. Review status: criteria provided, single submitter. Criteria: Ambry Variant Classification Scheme 2023. Collection method: clinical testing. Allele origin: germline.

GeneDx
Classification: Uncertain significance. Last evaluated: 2020-01-20. Review status: criteria provided, single submitter. Criteria: GeneDx Variant Classification Process June 2021. Collection method: clinical testing. Allele origin: germline. Affected: yes.
Comment: In silico analysis, which includes protein predictors and evolutionary conservation, supports that this variant does not alter protein structure/function; Has not been previously published as pathogenic or benign to our knowledge

PreventionGenetics, part of Exact Sciences
Classification: Benign for COL13A1-related condition. Last evaluated: 2020-06-10. Review status: no assertion criteria provided. Collection method: clinical testing. Allele origin: germline. Not counted in ClinVar's aggregate classification.
Comment: This variant is classified as benign based on ACMG/AMP sequence variant interpretation guidelines (Richards et al. 2015 PMID: 25741868, with internal and published modifications).